The following is an entry in ClinVar:

NM_001166114.2(PNPLA6):c.1016C>A (p.Pro339His)

Gene: PNPLA6 (patatin like domain 6, lysophospholipase; plus strand). Cytogenetic location: 19p13.2.
Variant type: single nucleotide variant.
Coding change: c.1016C>A on transcript NM_001166114.2 (MANE Select); coding-DNA position 1016, C replaced by A.
Protein change: p.Pro339His; replaces proline 339 with histidine.
Molecular consequence: missense variant.
Genome position (GRCh38, 1-based): chr19:7,541,532, C>A. VCF-style: chr19-7541532-C-A. GRCh37 (hg19) VCF-style: chr19-7606418-C-A.
Other names: c.1043C>A, p.Pro348His (NM_001166111.2); c.899C>A, p.Pro300His (NM_001166112.2, NM_001166113.1, NM_006702.5); short protein forms P300H, P348H, P339H.
Identifiers: ClinVar variation 1918033 (VCV001918033.4), dbSNP rs748888087, ClinGen allele CA304864485.
Genomic context (GRCh38, chr19:7,541,532, plus strand): 5'-GGGCGAGGTCTCCCTCCCAGGACAGGCCACAAGCTGTTCTCTGCCCCCAGGAGATCCAGC[C>A]CCTGCGTCTGTTCCCCAGCCCCGGCCTCCCAACTCGCACCAGCCCTGTGCGGGGCTCCAA-3'
Protein context (NP_001159586.1, residues 329-349): TNELFSHEIQ[Pro339His]LRLFPSPGLP

ClinVar aggregate classification (germline): Uncertain significance (1 of 4 stars; one submission).

Conditions:
Hereditary spastic paraplegia 39 (SPG39). Also called: SPASTIC PARAPLEGIA 39, AUTOSOMAL RECESSIVE; Spastic Paraplegia Type 39 (SPG39). Identifiers: Orphanet 139480, MedGen C2677586, MONDO:0012787, OMIM 612020.

Allele frequency attached by ClinVar (database versions not stated): gnomAD exomes below 0.00001; TOPMed 0.00002; gnomAD 0.00003.
gnomAD v4.1: 6 of 1,607,768 alleles (0.00037%); highest among the groups gnomAD compares: African/African-American, 0.004%; no homozygotes.

Submission:

Labcorp Genetics (formerly Invitae), Labcorp
Classification: Uncertain significance for Hereditary spastic paraplegia 39. Last evaluated: 2022-09-06. Review status: criteria provided, single submitter. Criteria: Invitae Variant Classification Sherloc (09022015). Collection method: clinical testing. Allele origin: germline.
Comment: Algorithms developed to predict the effect of missense changes on protein structure and function are either unavailable or do not agree on the potential impact of this missense change (SIFT: "Deleterious"; PolyPhen-2: "Probably Damaging"; Align-GVGD: "Class C0"). In summary, the available evidence is currently insufficient to determine the role of this variant in disease. Therefore, it has been classified as a Variant of Uncertain Significance. The frequency data for this variant in the population databases is considered unreliable, as metrics indicate poor data quality at this position in the gnomAD database. This variant has not been reported in the literature in individuals affected with PNPLA6-related conditions. This sequence change replaces proline, which is neutral and non-polar, with histidine, which is basic and polar, at codon 300 of the PNPLA6 protein (p.Pro300His).